The following is an entry in ClinVar:

ClinVar aggregate classification (germline): Uncertain significance (1 of 4 stars; one submission).

Conditions:
Hereditary cancer-predisposing syndrome. Also called: Hereditary Cancer Syndrome; Hereditary neoplastic syndrome; Tumor predisposition; Neoplastic Syndromes, Hereditary. Identifiers: Orphanet 140162, MedGen C0027672, MeSH D009386, MONDO:0015356.

Submission:

Ambry Genetics
Classification: Uncertain significance for Hereditary cancer-predisposing syndrome. Last evaluated: 2022-03-29. Review status: criteria provided, single submitter. Criteria: Ambry Variant Classification Scheme 2023. Collection method: clinical testing. Allele origin: germline.
Comment: The p.E819K variant (also known as c.2455G>A), located in coding exon 4 of the MSH6 gene, results from a G to A substitution at nucleotide position 2455. The glutamic acid at codon 819 is replaced by lysine, an amino acid with similar properties. This amino acid position is highly conserved in available vertebrate species. In addition, this alteration is predicted to be deleterious by in silico analysis. Since supporting evidence is limited at this time, the clinical significance of this alteration remains unclear.

NM_000179.3(MSH6):c.2455G>A (p.Glu819Lys)

Gene: MSH6 (mutS homolog 6; plus strand). Cytogenetic location: 2p16.3.
Variant type: single nucleotide variant.
Coding change: c.2455G>A on transcript NM_000179.3 (MANE Select); coding-DNA position 2455, G replaced by A.
Protein change: p.Glu819Lys; replaces glutamic acid 819 with lysine.
Molecular consequence: missense variant.
Genome position (GRCh38, 1-based): chr2:47,800,438, G>A. VCF-style: chr2-47800438-G-A. GRCh37 (hg19) VCF-style: chr2-48027577-G-A.
Other names: c.2065G>A, p.Glu689Lys (NM_001281492.2); c.1549G>A, p.Glu517Lys (NM_001281493.2, NM_001281494.2, NM_001406811.1 and 6 more transcripts); c.2551G>A, p.Glu851Lys (NM_001406795.1, NM_001406802.1); c.2455G>A, p.Glu819Lys (NM_001406796.1, NM_001406798.1, NM_001406800.1 and 2 more transcripts); c.2158G>A, p.Glu720Lys (NM_001406797.1, NM_001406801.1, NM_001406805.1 and 10 more transcripts); c.1930G>A, p.Glu644Lys (NM_001406799.1, NM_001406806.1, NM_001406807.1); c.2377G>A, p.Glu793Lys (NM_001406804.1); c.2461G>A, p.Glu821Lys (NM_001406813.1); and 1 more; short protein forms E644K, E793K, E517K, E720K, E821K, E851K, E689K, E763K.
Identifiers: ClinVar variation 1791544 (VCV001791544.2), dbSNP rs1669466483, ClinGen allele CA346754076.